The following is an entry in ClinVar:

ClinVar aggregate classification (germline): Uncertain significance. Review status: criteria provided, multiple submitters, no conflicts (2 of 4 stars). 5 submissions from 5 submitters: Uncertain significance (5). Last evaluated 2025-02-17.

Conditions:
Familial thoracic aortic aneurysm and aortic dissection (TAAD). Also called: Thoracic aortic aneurysms and dissections. Identifiers: Orphanet 91387, MedGen C4707243, MONDO:0019625.
Arterial tortuosity syndrome (ATORS). Identifiers: Orphanet 3342, MedGen C1859726, MONDO:0008818, OMIM 208050.

Allele frequency attached by ClinVar (database versions not stated): ExAC 0.00002; gnomAD exomes 0.00005 and 0.00007; TOPMed 0.00008; gnomAD 0.00013 and 0.00014; ESP Exome Variant Server 0.00015.
gnomAD v4.1: 127 of 1,614,038 alleles (0.0079%); highest among the groups gnomAD compares: African/African-American, 0.028%; no homozygotes.

Submissions (5):

Ambry Genetics
Classification: Uncertain significance for Familial thoracic aortic aneurysm and aortic dissection. Last evaluated: 2025-02-17. Review status: criteria provided, single submitter. Criteria: Ambry Variant Classification Scheme 2023. Collection method: clinical testing. Allele origin: germline.
Comment: The p.R534C variant (also known as c.1600C>T), located in coding exon 5 of the SLC2A10 gene, results from a C to T substitution at nucleotide position 1600. The arginine at codon 534 is replaced by cysteine, an amino acid with highly dissimilar properties. This amino acid position is well conserved in available vertebrate species. In addition, the in silico prediction for this alteration is inconclusive. Since supporting evidence is limited at this time, the clinical significance of this alteration remains unclear.

Labcorp Genetics (formerly Invitae), Labcorp
Classification: Uncertain significance for Arterial tortuosity syndrome. Last evaluated: 2025-01-23. Review status: criteria provided, single submitter. Criteria: Invitae Variant Classification Sherloc (09022015). Collection method: clinical testing. Allele origin: germline.
Comment: This sequence change replaces arginine, which is basic and polar, with cysteine, which is neutral and slightly polar, at codon 534 of the SLC2A10 protein (p.Arg534Cys). This variant is present in population databases (rs142577271, gnomAD 0.02%). This variant has not been reported in the literature in individuals affected with SLC2A10-related conditions. ClinVar contains an entry for this variant (Variation ID: 213742). Invitae Evidence Modeling of protein sequence and biophysical properties (such as structural, functional, and spatial information, amino acid conservation, physicochemical variation, residue mobility, and thermodynamic stability) has been performed for this missense variant. However, the output from this modeling did not meet the statistical confidence thresholds required to predict the impact of this variant on SLC2A10 protein function. In summary, the available evidence is currently insufficient to determine the role of this variant in disease. Therefore, it has been classified as a Variant of Uncertain Significance.

Blueprint Genetics
Classification: Uncertain significance. Last evaluated: 2024-10-22. Review status: criteria provided, single submitter. Criteria: ACMG Guidelines, 2015. Collection method: clinical testing. Allele origin: germline.

GeneDx
Classification: Uncertain significance. Last evaluated: 2023-08-22. Review status: criteria provided, single submitter. Criteria: GeneDx Variant Classification Process June 2021. Collection method: clinical testing. Allele origin: germline. Affected: yes.
Comment: In silico analysis supports that this missense variant does not alter protein structure/function; Has not been previously published as pathogenic or benign to our knowledge

CHEO Genetics Diagnostic Laboratory, Children's Hospital of Eastern Ontario
Classification: Uncertain significance for Familial thoracic aortic aneurysm and aortic dissection. Last evaluated: 2019-01-25. Review status: criteria provided, single submitter. Criteria: ACMG Guidelines, 2015. Collection method: clinical testing. Allele origin: germline.

NM_030777.4(SLC2A10):c.1600C>T (p.Arg534Cys)

Gene: SLC2A10 (solute carrier family 2 member 10; plus strand). Cytogenetic location: 20q13.12.
Variant type: single nucleotide variant.
Coding change: c.1600C>T on transcript NM_030777.4 (MANE Select); coding-DNA position 1600, C replaced by T.
Protein change: p.Arg534Cys; replaces arginine 534 with cysteine.
Molecular consequence: missense variant.
Genome position (GRCh38, 1-based): chr20:46,733,808, C>T. VCF-style: chr20-46733808-C-T. GRCh37 (hg19) VCF-style: chr20-45362447-C-T.
Other names: p.R534C:CGC>TGC; short protein forms R534C.
Identifiers: ClinVar variation 213742 (VCV000213742.18), dbSNP rs142577271, ClinGen allele CA322908.